The following is an entry in ClinVar:

ClinVar aggregate classification (germline): Conflicting classifications of pathogenicity. Review status: criteria provided, conflicting classifications (1 of 4 stars). 9 submissions from 9 submitters: Uncertain significance (1); Benign (2); Likely benign (5). 1 of the submissions does not count toward it. Last evaluated 2025-10-01.

Conditions:
TSC2-related disorder. Also called: TSC2-related condition; TSC2-Related Disorders.
Hereditary cancer-predisposing syndrome. Also called: Tumor predisposition; Neoplastic Syndromes, Hereditary; Hereditary Cancer Syndrome; Hereditary neoplastic syndrome. Identifiers: Orphanet 140162, MedGen C0027672, MeSH D009386, MONDO:0015356.
Tuberous sclerosis syndrome (TSC). Also called: Tuberous Sclerosis Complex; Tuberous sclerosis. Identifiers: Orphanet 805, MedGen C0041341, MONDO:0001734.
Tuberous sclerosis 2 (TSC2). Identifiers: Orphanet 805, MedGen C1860707, MONDO:0013199, OMIM 613254.

Allele frequency attached by ClinVar (database versions not stated): gnomAD 0.00001 and 0.00002; gnomAD exomes 0.00002; TOPMed 0.00002; ExAC 0.00003.
gnomAD v4.1: 36 of 1,614,056 alleles (0.0022%); highest among the groups gnomAD compares: Middle Eastern, 0.033%; no homozygotes.

Submissions (9):

Labcorp Genetics (formerly Invitae), Labcorp
Classification: Benign for Tuberous sclerosis 2. Last evaluated: 2025-10-01. Review status: criteria provided, single submitter. Criteria: Invitae Variant Classification Sherloc (09022015). Collection method: clinical testing. Allele origin: germline.

Myriad Genetics, Inc.
Classification: Benign for Tuberous sclerosis 2. Last evaluated: 2025-05-07. Review status: criteria provided, single submitter. Criteria: Myriad Autosomal Dominant, Autosomal Recessive and X-Linked Classification Criteria (2023). Collection method: clinical testing. Allele origin: unknown.
Comment: This variant is considered benign. This variant is a silent/synonymous amino acid change and it is not expected to impact splicing.

All of Us Research Program, National Institutes of Health
Classification: Likely benign for Tuberous sclerosis syndrome. Last evaluated: 2023-11-20. Review status: criteria provided, single submitter. Criteria: ACMG Guidelines, 2015. Collection method: clinical testing. Allele origin: germline. Inheritance: Autosomal dominant inheritance. Observed: 6 variant alleles, 6 heterozygotes.
Comment: This study involves interpretation of variants in research participants for the purpose of population health screening. Participant phenotype was not available at the time of variant classification. Additional details can be found in publication PMID: 35346344, PMCID: PMC8962531

Women's Health and Genetics/Laboratory Corporation of America, LabCorp
Classification: Likely benign. Last evaluated: 2023-07-27. Review status: criteria provided, single submitter. Criteria: LabCorp Variant Classification Summary - May 2015. Collection method: clinical testing. Allele origin: germline.

Genome-Nilou Lab
Classification: Likely benign for Tuberous sclerosis 2. Last evaluated: 2021-11-07. Review status: criteria provided, single submitter. Criteria: ACMG Guidelines, 2015. Collection method: clinical testing. Allele origin: germline. Affected: no.

Sema4
Classification: Likely benign for Hereditary cancer-predisposing syndrome. Last evaluated: 2020-10-29. Review status: criteria provided, single submitter. Criteria: Sema4 Curation Guidelines. Collection method: curation. Allele origin: germline.

Ambry Genetics
Classification: Likely benign for Hereditary cancer-predisposing syndrome. Last evaluated: 2018-04-12. Review status: criteria provided, single submitter. Criteria: Ambry Variant Classification Scheme 2023. Collection method: clinical testing. Allele origin: germline.

Eurofins Ntd Llc (ga)
Classification: Uncertain significance. Last evaluated: 2017-07-19. Review status: criteria provided, single submitter. Criteria: EGL Classification Definitions 2015. Collection method: clinical testing. Allele origin: germline. Observed: 1 variant allele, 1 heterozygote.

PreventionGenetics, part of Exact Sciences
Classification: Likely benign for TSC2-related condition. Last evaluated: 2019-09-09. Review status: no assertion criteria provided. Collection method: clinical testing. Allele origin: germline. Not counted in ClinVar's aggregate classification.
Comment: This variant is classified as likely benign based on ACMG/AMP sequence variant interpretation guidelines (Richards et al. 2015 PMID: 25741868, with internal and published modifications).

NM_000548.5(TSC2):c.576C>T (p.Asp192=)

Gene: TSC2 (TSC complex subunit 2; plus strand). Cytogenetic location: 16p13.3.
Variant type: single nucleotide variant.
Coding change: c.576C>T on transcript NM_000548.5 (MANE Select); coding-DNA position 576, C replaced by T.
Protein change: p.Asp192=; no amino-acid change (aspartic acid 192 retained).
Molecular consequence: synonymous variant. On other transcripts: intron variant (1).
Genome position (GRCh38, 1-based): chr16:2,055,496, C>T. VCF-style: chr16-2055496-C-T. GRCh37 (hg19) VCF-style: chr16-2105497-C-T.
Other names: c.576C>T (NM_000548.4); c.576C>T, p.Asp192= (NM_021055.3, NM_001077183.3, NM_001114382.3 and 3 more transcripts); c.-1-700C>T (NM_001318831.2); c.465C>T, p.Asp155= (NM_001318827.2); c.429C>T, p.Asp143= (NM_001318829.2); c.609C>T, p.Asp203= (NM_001318832.2).
Identifiers: ClinVar variation 413654 (VCV000413654.25), dbSNP rs761704292, ClinGen allele CA055420.
Genomic context (GRCh38, chr16:2,055,496, plus strand): 5'-GTCCTCGGAATTCCTTCTGGTGCTGGTGAACTTGGTCAAATTCAATAGCTGTTACCTCGA[C>T]GAGTACATCGCAAGGATGGTTCAGTAAGAAAAGAATTGAGATCCTGTTCTGATAATGGTC-3'
Protein context (NP_000539.2, residues 182-202): NLVKFNSCYL[Asp192=]EYIARMVQMI